The following is an entry in ClinVar:

NM_003743.5(NCOA1):c.3661A>C (p.Ile1221Leu)

Gene: NCOA1 (nuclear receptor coactivator 1; plus strand). Cytogenetic location: 2p23.3.
Variant type: single nucleotide variant.
Coding change: c.3661A>C on transcript NM_003743.5 (MANE Select); coding-DNA position 3661, A replaced by C.
Protein change: p.Ile1221Leu; replaces isoleucine 1221 with leucine.
Molecular consequence: missense variant.
Genome position (GRCh38, 1-based): chr2:24,742,141, A>C. VCF-style: chr2-24742141-A-C. GRCh37 (hg19) VCF-style: chr2-24965010-A-C.
Other names: c.3661A>C, p.Ile1221Leu (NM_001362950.1, NM_001362952.1, NM_001362954.1 and 3 more transcripts); short protein forms I1221L.
Identifiers: ClinVar variation 2550457 (VCV002550457.3), dbSNP rs1484375022, ClinGen allele CA346055205.

ClinVar aggregate classification (germline): Uncertain significance. Review status: criteria provided, multiple submitters, no conflicts (2 of 4 stars). 2 submissions from 2 submitters: Uncertain significance (2). Last evaluated 2024-10-07.

Conditions:
NCOA1-related disorder. Also called: NCOA1-related condition.

gnomAD v4.1: 2 of 1,613,960 alleles (0.00012%); highest among the groups gnomAD compares: Non-Finnish European, 0.00017%; no homozygotes.

Submissions (2):

PreventionGenetics, part of Exact Sciences
Classification: Uncertain significance for NCOA1-related condition. Last evaluated: 2024-10-07. Review status: criteria provided, single submitter. Criteria: ACMG Guidelines, 2015. Collection method: clinical testing. Allele origin: germline.
Comment: The NCOA1 c.3661A>C variant is predicted to result in the amino acid substitution p.Ile1221Leu. To our knowledge, this variant has not been reported in the literature. This variant is reported in 0.00088% of alleles in individuals of European (Non-Finnish) descent in gnomAD. At this time, the clinical significance of this variant is uncertain due to the absence of conclusive functional and genetic evidence.

Ambry Genetics
Classification: Uncertain significance. Last evaluated: 2023-05-23. Review status: criteria provided, single submitter. Criteria: Ambry Variant Classification Scheme 2023. Collection method: clinical testing. Allele origin: germline.